The following is an entry in ClinVar:

ClinVar aggregate classification (germline): Benign (1 of 4 stars; one submission).

Conditions:
Diaphanospondylodysostosis. Also called: VERTEBRAL OSSIFICATION, DEFECT IN, WITH NEPHROGENIC RESTS. Identifiers: Orphanet 66637, MedGen C1842691, MONDO:0011946, OMIM 608022.

Allele frequency attached by ClinVar (database versions not stated): gnomAD 0.02724; TOPMed 0.03354; 1000 Genomes Project 0.04373; gnomAD exomes 0.00475; 1000 Genomes Project 30x 0.04528.
gnomAD v4.1: 4,361 of 158,402 alleles (2.8%); highest among the groups gnomAD compares: African/African-American, 7.1%; 143 homozygotes.

Submission:

Illumina Laboratory Services, Illumina
Classification: Benign for Diaphanospondylodysostosis. Last evaluated: 2018-01-13. Review status: criteria provided, single submitter. Criteria: ICSL Variant Classification Criteria 13 December 2019. Collection method: clinical testing. Allele origin: germline.
Comment: This variant was observed in the ICSL laboratory as part of a predisposition screen in an ostensibly healthy population. It had not been previously curated by ICSL or reported in the Human Gene Mutation Database (HGMD: prior to June 1st, 2018), and was therefore a candidate for classification through an automated scoring system. Utilizing variant allele frequency, disease prevalence and penetrance estimates, and inheritance mode, an automated score was calculated to assess if this variant is too frequent to cause the disease. Based on the score and internal cut-off values, a variant classified as benign is not then subjected to further curation. The score for this variant resulted in a classification of benign for this disease.

NM_133468.5(BMPER):c.-211G>A

Gene: BMPER (BMP binding endothelial regulator; plus strand). Cytogenetic location: 7p14.3.
Variant type: single nucleotide variant.
Coding change: c.-211G>A on transcript NM_133468.5; 211 bases upstream of the start codon, G replaced by A.
Molecular consequence: 5 prime UTR variant.
Genome position (GRCh38, 1-based): chr7:33,905,074, G>A. VCF-style: chr7-33905074-G-A. GRCh37 (hg19) VCF-style: chr7-33944686-G-A.
Identifiers: ClinVar variation 360088 (VCV000360088.7), dbSNP rs112890951, ClinGen allele CA10629147.
Genomic context (GRCh38, chr7:33,905,074, plus strand): 5'-CAGCTATCGCGCAGTCCCTCCTGCGCCCGGGCGCCCCCAGCGGGTTCCGGGAGGCGCCCG[G>A]TGAGCCCACGTCTGTTGCGGCGGAGCGAGCGCGCTCCGGGAGGGCCGAGAGCCGGCGGGG-3'